The following is an entry in ClinVar:

ClinVar aggregate classification (germline): Uncertain significance (1 of 4 stars; one submission).

Conditions:
Candidiasis, familial, 9 (CANDF9). Identifiers: Orphanet 1334, MedGen C4225324, MONDO:0014642, OMIM 616445.

gnomAD v4.1: 2 of 1,613,556 alleles (0.00012%); highest among the groups gnomAD compares: Non-Finnish European, 0.00017%; no homozygotes.

Submission:

Labcorp Genetics (formerly Invitae), Labcorp
Classification: Uncertain significance for Candidiasis, familial, 9. Last evaluated: 2024-04-20. Review status: criteria provided, single submitter. Criteria: Invitae Variant Classification Sherloc (09022015). Collection method: clinical testing. Allele origin: germline.
Comment: This sequence change falls in intron 12 of the IL17RC gene. It does not directly change the encoded amino acid sequence of the IL17RC protein. It affects a nucleotide within the consensus splice site. This variant is not present in population databases (gnomAD no frequency). This variant has not been reported in the literature in individuals affected with IL17RC-related conditions. Variants that disrupt the consensus splice site are a relatively common cause of aberrant splicing (PMID: 17576681, 9536098). Algorithms developed to predict the effect of sequence changes on RNA splicing suggest that this variant may disrupt the consensus splice site. In summary, the available evidence is currently insufficient to determine the role of this variant in disease. Therefore, it has been classified as a Variant of Uncertain Significance.

Literature cited by the submitters: PubMed 17576681; PubMed 9536098.

NM_153460.4(IL17RC):c.1110+5G>C

Gene: IL17RC (interleukin 17 receptor C; plus strand). Cytogenetic location: 3p25.3.
Variant type: single nucleotide variant.
Coding change: c.1110+5G>C on transcript NM_153460.4 (MANE Select); 5 bases into the intron after coding-DNA position 1110, G replaced by C.
Molecular consequence: intron variant.
Genome position (GRCh38, 1-based): chr3:9,928,635, G>C. VCF-style: chr3-9928635-G-C. GRCh37 (hg19) VCF-style: chr3-9970319-G-C.
Other names: c.1323+5G>C (NM_153461.4); c.1110+5G>C (NM_001203263.2); c.1059+149G>C (NM_001203264.2); c.1071+5G>C (NM_001367278.1); c.1065+5G>C (NM_032732.6, NM_001367280.1); c.1014+149G>C (NM_001203265.2, NM_001410711.1); c.990+5G>C (NM_001367279.1).
Identifiers: ClinVar variation 3621843 (VCV003621843.2).